The following is an entry in ClinVar:

ClinVar aggregate classification (germline): Uncertain significance (1 of 4 stars; one submission).

Allele frequency attached by ClinVar (database versions not stated): gnomAD exomes below 0.00001.
gnomAD v4.1: 1 of 1,417,418 alleles (0.000071%); highest among the groups gnomAD compares: Admixed American, 0.0027%; no homozygotes.

Submission:

Labcorp Genetics (formerly Invitae), Labcorp
Classification: Uncertain significance. Last evaluated: 2022-10-04. Review status: criteria provided, single submitter. Criteria: Invitae Variant Classification Sherloc (09022015). Collection method: clinical testing. Allele origin: germline.
Comment: In summary, the available evidence is currently insufficient to determine the role of this variant in disease. Therefore, it has been classified as a Variant of Uncertain Significance. Algorithms developed to predict the effect of missense changes on protein structure and function are either unavailable or do not agree on the potential impact of this missense change (SIFT: "Tolerated"; PolyPhen-2: "Not Available"; Align-GVGD: "Class C0"). This variant has not been reported in the literature in individuals affected with ARIH1-related conditions. The frequency data for this variant in the population databases is considered unreliable, as metrics indicate poor data quality at this position in the gnomAD database. This sequence change replaces glycine, which is neutral and non-polar, with serine, which is neutral and polar, at codon 77 of the ARIH1 protein (p.Gly77Ser).

NM_005744.5(ARIH1):c.229G>A (p.Gly77Ser)

Gene: ARIH1 (ariadne RBR E3 ubiquitin protein ligase 1; plus strand). Cytogenetic location: 15q24.1.
Variant type: single nucleotide variant.
Coding change: c.229G>A on transcript NM_005744.5 (MANE Select); coding-DNA position 229, G replaced by A.
Protein change: p.Gly77Ser; replaces glycine 77 with serine.
Molecular consequence: missense variant.
Genome position (GRCh38, 1-based): chr15:72,474,868, G>A. VCF-style: chr15-72474868-G-A. GRCh37 (hg19) VCF-style: chr15-72767209-G-A.
Other names: short protein forms G77S.
Identifiers: ClinVar variation 2033983 (VCV002033983.4), dbSNP rs1228917143, ClinGen allele CA393237018.